The following is an entry in ClinVar:

NC_000018.9:g.(?_12329564)_(12377081_?)dup

Gene: AFG3L2 (AFG3 like matrix AAA peptidase subunit 2; minus strand). Cytogenetic location: 18p11.21.
Variant type: Duplication.
Identifiers: ClinVar variation 2425646 (VCV002425646.3).

ClinVar aggregate classification (germline): Uncertain significance (1 of 4 stars; one submission).

Submission:

Labcorp Genetics (formerly Invitae), Labcorp
Classification: Uncertain significance. Last evaluated: 2022-10-05. Review status: criteria provided, single submitter. Criteria: Invitae Variant Classification Sherloc (09022015). Collection method: clinical testing. Allele origin: germline.
Comment: A copy number gain of the genomic region encompassing the full coding sequence of the AFG3L2 gene has been identified. The boundaries of this event are unknown as they extend beyond the assayed region for this gene and therefore may encompass additional genes. As the precise location of this event is unknown, it may be in tandem or it may be located elsewhere in the genome. This variant has not been reported in the literature in individuals affected with AFG3L2-related conditions. In summary, the available evidence is currently insufficient to determine the role of this variant in disease. Therefore, it has been classified as a Variant of Uncertain Significance.